The following is an entry in ClinVar:

NM_000222.3(KIT):c.2772T>G (p.Ile924Met)

Gene: KIT (KIT proto-oncogene, receptor tyrosine kinase; plus strand). Cytogenetic location: 4q12.
Variant type: single nucleotide variant.
Coding change: c.2772T>G on transcript NM_000222.3 (MANE Select); coding-DNA position 2772, T replaced by G.
Protein change: p.Ile924Met; replaces isoleucine 924 with methionine.
Molecular consequence: missense variant.
Genome position (GRCh38, 1-based): chr4:54,737,250, T>G. VCF-style: chr4-54737250-T-G. GRCh37 (hg19) VCF-style: chr4-55603416-T-G.
Other names: c.2760T>G, p.Ile920Met (NM_001093772.2, NM_001385292.1); c.2775T>G, p.Ile925Met (NM_001385284.1); c.2769T>G, p.Ile923Met (NM_001385285.1); c.2757T>G, p.Ile919Met (NM_001385286.1); c.2763T>G, p.Ile921Met (NM_001385288.1); c.2772T>G, p.Ile924Met (NM_001385290.1); c.2772T>G (NM_000222.2); short protein forms I923M, I924M, I919M, I920M, I921M, I925M.
Identifiers: ClinVar variation 1439460 (VCV001439460.7), dbSNP rs1722972540, ClinGen allele CA356914498.

ClinVar aggregate classification (germline): Uncertain significance. Review status: criteria provided, multiple submitters, no conflicts (2 of 4 stars). 2 submissions from 2 submitters: Uncertain significance (2). Last evaluated 2025-04-19.

Conditions:
Gastrointestinal stromal tumor. Also called: Gastrointestinal stroma tumor; Gastrointestinal stromal tumor, somatic. Identifiers: Orphanet 44890, MedGen C0238198, MeSH D046152, MONDO:0011719, OMIM 606764, HP:0100723.
Hereditary cancer-predisposing syndrome. Also called: Hereditary neoplastic syndrome; Tumor predisposition; Hereditary Cancer Syndrome; Neoplastic Syndromes, Hereditary. Identifiers: Orphanet 140162, MedGen C0027672, MeSH D009386, MONDO:0015356.

Allele frequency attached by ClinVar (database versions not stated): gnomAD 0.00001.
gnomAD v4.1: 1 of 1,613,410 alleles (0.000062%); highest among the groups gnomAD compares: Admixed American, 0.0017%; no homozygotes.

Submissions (2):

Ambry Genetics
Classification: Uncertain significance for Hereditary cancer-predisposing syndrome. Last evaluated: 2025-04-19. Review status: criteria provided, single submitter. Criteria: Ambry Variant Classification Scheme 2023. Collection method: clinical testing. Allele origin: germline.
Comment: The p.I924M variant (also known as c.2772T>G), located in coding exon 20 of the KIT gene, results from a T to G substitution at nucleotide position 2772. The isoleucine at codon 924 is replaced by methionine, an amino acid with highly similar properties. This amino acid position is conserved. In addition, this alteration is predicted to be tolerated by in silico analysis. Based on the available evidence, the clinical significance of this variant remains unclear.

Labcorp Genetics (formerly Invitae), Labcorp
Classification: Uncertain significance for Gastrointestinal stromal tumor. Last evaluated: 2021-12-11. Review status: criteria provided, single submitter. Criteria: Invitae Variant Classification Sherloc (09022015). Collection method: clinical testing. Allele origin: germline.
Comment: This sequence change replaces isoleucine, which is neutral and non-polar, with methionine, which is neutral and non-polar, at codon 924 of the KIT protein (p.Ile924Met). This variant is not present in population databases (gnomAD no frequency). In summary, the available evidence is currently insufficient to determine the role of this variant in disease. Therefore, it has been classified as a Variant of Uncertain Significance. Algorithms developed to predict the effect of missense changes on protein structure and function are either unavailable or do not agree on the potential impact of this missense change (SIFT: "Deleterious"; PolyPhen-2: "Benign"; Align-GVGD: "Class C0"). This variant has not been reported in the literature in individuals affected with KIT-related conditions.